The following is an entry in ClinVar:

ClinVar aggregate classification (germline): Likely benign. Review status: criteria provided, single submitter (1 of 4 stars). 2 submissions from 2 submitters: Likely benign (1). 1 of the submissions does not count toward it. Last evaluated 2023-03-01.

Conditions:
MAPK8IP3-related disorder. Also called: MAPK8IP3-related condition.

Allele frequency attached by ClinVar (database versions not stated): ExAC 0.00001; gnomAD 0.00003; TOPMed 0.00003.
gnomAD v4.1: 15 of 1,612,602 alleles (0.00093%); highest among the groups gnomAD compares: Middle Eastern, 0.017%; no homozygotes.

Submissions (2):

CeGaT Center for Human Genetics Tuebingen
Classification: Likely benign. Last evaluated: 2023-03-01. Review status: criteria provided, single submitter. Criteria: CeGaT Center For Human Genetics Tuebingen Variant Classification Criteria Version 2. Collection method: clinical testing. Allele origin: germline. Affected: yes. Observed: 1 variant allele.
Comment: MAPK8IP3: BP4, BP7

PreventionGenetics, part of Exact Sciences
Classification: Likely benign for MAPK8IP3-related condition. Last evaluated: 2020-10-06. Review status: no assertion criteria provided. Collection method: clinical testing. Allele origin: germline. Not counted in ClinVar's aggregate classification.
Comment: This variant is classified as likely benign based on ACMG/AMP sequence variant interpretation guidelines (Richards et al. 2015 PMID: 25741868, with internal and published modifications).

NM_001318852.2(MAPK8IP3):c.3915G>A (p.Thr1305=)

Gene: MAPK8IP3 (mitogen-activated protein kinase 8 interacting protein 3; plus strand). Cytogenetic location: 16p13.3.
Variant type: single nucleotide variant.
Coding change: c.3915G>A on transcript NM_001318852.2 (MANE Select); coding-DNA position 3915, G replaced by A.
Protein change: p.Thr1305=; no amino-acid change (threonine 1305 retained).
Molecular consequence: synonymous variant.
Genome position (GRCh38, 1-based): chr16:1,768,725, G>A. VCF-style: chr16-1768725-G-A. GRCh37 (hg19) VCF-style: chr16-1818726-G-A.
Other names: c.3894G>A, p.Thr1298= (NM_001040439.2); c.3912G>A, p.Thr1304= (NM_015133.5, NM_033392.3); c.3915G>A (NM_001318852.1).
Identifiers: ClinVar variation 2645943 (VCV002645943.24), dbSNP rs756737397, ClinGen allele CA7817936.
Genomic context (GRCh38, chr16:1,768,725, plus strand): 5'-GGGGGAGCCTGGCCGTCACTCTGCTGCTTTGCCCGCAGGAGACGGAGAGGACGACGAGAC[G>A]GAGGAGGGCGCAGGGGACATGAGCCAGGTGAAGCCCGTGCTGTCCAAGGCAGAGCGCAGT-3'
Protein context (NP_001305781.1, residues 1295-1315): FRIGDGEDDE[Thr1305=]EEGAGDMSQV